The following is an entry in ClinVar:

NM_003737.4(DCHS1):c.4555C>T (p.Pro1519Ser)

Gene: DCHS1 (dachsous cadherin-related 1; minus strand). Cytogenetic location: 11p15.4.
Variant type: single nucleotide variant.
Coding change: c.4555C>T on transcript NM_003737.4 (MANE Select); coding-DNA position 4555, C replaced by T.
Protein change: p.Pro1519Ser; replaces proline 1519 with serine.
Molecular consequence: missense variant.
Genome position (GRCh38, 1-based): chr11:6,630,239, G>A on the plus strand (C>T on the coding strand, the complement: DCHS1 is on the minus strand). VCF-style: chr11-6630239-G-A. GRCh37 (hg19) VCF-style: chr11-6651470-G-A.
Other names: short protein forms P1519S.
Identifiers: ClinVar variation 376906 (VCV000376906.60), dbSNP rs199544459, ClinGen allele CA5860324.

ClinVar aggregate classification (germline): Conflicting classifications of pathogenicity. Review status: criteria provided, conflicting classifications (1 of 4 stars). 7 submissions from 7 submitters: Uncertain significance (3); Likely benign (4). Last evaluated 2026-02-03.

Conditions:
DCHS1-related disorder. Also called: DCHS1-related condition.

Allele frequency attached by ClinVar (database versions not stated): 1000 Genomes Project 30x 0.00016; ESP Exome Variant Server 0.00085; gnomAD exomes 0.00133 and 0.00263; gnomAD 0.00148 and 0.00154; TOPMed 0.00151; ExAC 0.00167.
gnomAD v4.1: 3,807 of 1,549,598 alleles (0.25%); highest among the groups gnomAD compares: Non-Finnish European, 0.32%; 11 homozygotes.

Submissions (7):

Labcorp Genetics (formerly Invitae), Labcorp
Classification: Likely benign. Last evaluated: 2026-02-03. Review status: criteria provided, single submitter. Criteria: Invitae Variant Classification Sherloc (09022015). Collection method: clinical testing. Allele origin: germline.

PreventionGenetics, part of Exact Sciences
Classification: Likely benign for DCHS1-related condition. Last evaluated: 2025-11-10. Review status: criteria provided, single submitter. Criteria: ACMG Guidelines, 2015. Collection method: clinical testing. Allele origin: germline.
Comment: This variant is classified as likely benign based on ACMG/AMP sequence variant interpretation guidelines (Richards et al. 2015 PMID: 25741868, with internal and published modifications).

Blueprint Genetics
Classification: Likely benign. Last evaluated: 2024-11-06. Review status: criteria provided, single submitter. Criteria: ACMG Guidelines, 2015. Collection method: clinical testing. Allele origin: germline.

CeGaT Center for Human Genetics Tuebingen
Classification: Uncertain significance. Last evaluated: 2024-04-01. Review status: criteria provided, single submitter. Criteria: CeGaT Center For Human Genetics Tuebingen Variant Classification Criteria Version 2. Collection method: clinical testing. Allele origin: germline. Affected: yes. Observed: 2 variant alleles.

GeneDx
Classification: Likely benign. Last evaluated: 2021-01-20. Review status: criteria provided, single submitter. Criteria: GeneDx Variant Classification Process June 2021. Collection method: clinical testing. Allele origin: germline. Affected: yes.
Comment: This variant is associated with the following publications: (PMID: 29165578)

Eurofins Ntd Llc (ga)
Classification: Uncertain significance. Last evaluated: 2018-09-18. Review status: criteria provided, single submitter. Criteria: EGL ClinVar v180209 classification definitions. Collection method: clinical testing. Allele origin: germline. Observed: 1 variant allele, 1 heterozygote.

Center for Pediatric Genomic Medicine, Children's Mercy Hospital and Clinics
Classification: Uncertain significance. Last evaluated: 2017-02-06. Review status: criteria provided, single submitter. Criteria: ACMG Guidelines, 2015. Collection method: clinical testing. Allele origin: germline.
ClinVar note: Converted during submission from Uncertain Significance to Uncertain significance.